The following is an entry in ClinVar:

NM_001010888.4(ZC3H12B):c.2154A>G (p.Arg718=)

Gene: ZC3H12B (zinc finger CCCH-type containing 12B; plus strand). Cytogenetic location: Xq12.
Variant type: single nucleotide variant.
Coding change: c.2154A>G on transcript NM_001010888.4 (MANE Select); coding-DNA position 2154, A replaced by G.
Protein change: p.Arg718=; no amino-acid change (arginine 718 retained).
Molecular consequence: synonymous variant.
Genome position (GRCh38, 1-based): chrX:65,502,852, A>G. VCF-style: chrX-65502852-A-G. GRCh37 (hg19) VCF-style: chrX-64722732-A-G.
Identifiers: ClinVar variation 2660755 (VCV002660755.24), dbSNP rs2522427648, ClinGen allele CA517043577.

ClinVar aggregate classification (germline): Likely benign (1 of 4 stars; one submission).

Submission:

CeGaT Center for Human Genetics Tuebingen
Classification: Likely benign. Last evaluated: 2023-02-01. Review status: criteria provided, single submitter. Criteria: CeGaT Center For Human Genetics Tuebingen Variant Classification Criteria Version 2. Collection method: clinical testing. Allele origin: germline. Affected: yes. Observed: 1 variant allele.
Comment: ZC3H12B: PM2:Supporting, BP4, BP7